The following is an entry in ClinVar:

ClinVar aggregate classification (germline): Benign. Review status: criteria provided, single submitter (1 of 4 stars). 2 submissions from 1 submitter: Benign (2). Last evaluated 2018-01-12.

Conditions:
Parietal foramina 1 (PFM1). Also called: FORAMINA PARIETALIA PERMAGNA; PARIETAL FORAMINA, SYMMETRIC. Identifiers: Orphanet 60015, MedGen C1868599, MONDO:0008197, OMIM 168500.
Craniosynostosis 2 (CRS2). Also called: Warman-Mulliken-Hayward syndrome; Craniosynostosis Warman type; Craniosynostosis Boston type. Identifiers: Orphanet 1541, MedGen C1858160, MONDO:0011481, OMIM 604757.

Allele frequency attached by ClinVar (database versions not stated): 1000 Genomes Project 0.00060; 1000 Genomes Project 30x 0.00109; gnomAD 0.00376 and 0.00385; TOPMed 0.00381; gnomAD exomes 0.00798.

Submissions (2):

Illumina Laboratory Services, Illumina
Classification: Benign for Craniosynostosis 2. Last evaluated: 2018-01-12. Review status: criteria provided, single submitter. Criteria: ICSL Variant Classification Criteria 13 December 2019. Collection method: clinical testing. Allele origin: germline.
Comment: This variant was observed in the ICSL laboratory as part of a predisposition screen in an ostensibly healthy population. It had not been previously curated by ICSL or reported in the Human Gene Mutation Database (HGMD: prior to June 1st, 2018), and was therefore a candidate for classification through an automated scoring system. Utilizing variant allele frequency, disease prevalence and penetrance estimates, and inheritance mode, an automated score was calculated to assess if this variant is too frequent to cause the disease. Based on the score and internal cut-off values, a variant classified as benign is not then subjected to further curation. The score for this variant resulted in a classification of benign for this disease.

Illumina Laboratory Services, Illumina
Classification: Benign for Parietal foramina 1. Last evaluated: 2018-01-12. Review status: criteria provided, single submitter. Criteria: ICSL Variant Classification Criteria 13 December 2019. Collection method: clinical testing. Allele origin: germline.
Comment: the same text as in the submission from Illumina Laboratory Services, Illumina above.

NM_002449.5(MSX2):c.*257T>C

Gene: MSX2 (msh homeobox 2; plus strand). Cytogenetic location: 5q35.2.
Variant type: single nucleotide variant.
Coding change: c.*257T>C on transcript NM_002449.5 (MANE Select); 257 bases downstream of the stop codon, T replaced by C.
Molecular consequence: 3 prime UTR variant.
Genome position (GRCh38, 1-based): chr5:174,729,840, T>C. VCF-style: chr5-174729840-T-C. GRCh37 (hg19) VCF-style: chr5-174156843-T-C.
Other names: c.*685T>C (NM_001363626.2).
Identifiers: ClinVar variation 352843 (VCV000352843.5), dbSNP rs187794452, ClinGen allele CA10620046.